The following is an entry in ClinVar:

ClinVar aggregate classification (germline): Uncertain significance (1 of 4 stars; one submission).

Conditions:
Facioscapulohumeral muscular dystrophy 2 (FSHD2). Also called: FACIOSCAPULOHUMERAL MUSCULAR DYSTROPHY 2, DIGENIC; MUSCULAR DYSTROPHY, FACIOSCAPULOHUMERAL, TYPE 1B; FSHD2, DIGENIC. Identifiers: Orphanet 269, MedGen C1834671, MONDO:0008031, OMIM 158901.

Submission:

Labcorp Genetics (formerly Invitae), Labcorp
Classification: Uncertain significance for Facioscapulohumeral muscular dystrophy 2. Last evaluated: 2022-08-15. Review status: criteria provided, single submitter. Criteria: Invitae Variant Classification Sherloc (09022015). Collection method: clinical testing. Allele origin: germline.
Comment: This variant is not present in population databases (gnomAD no frequency). This sequence change replaces aspartic acid, which is acidic and polar, with valine, which is neutral and non-polar, at codon 636 of the SMCHD1 protein (p.Asp636Val). This variant has not been reported in the literature in individuals affected with SMCHD1-related conditions. Algorithms developed to predict the effect of missense changes on protein structure and function (SIFT, PolyPhen-2, Align-GVGD) all suggest that this variant is likely to be disruptive. In summary, the available evidence is currently insufficient to determine the role of this variant in disease. Therefore, it has been classified as a Variant of Uncertain Significance.

NM_015295.3(SMCHD1):c.1907A>T (p.Asp636Val)

Gene: SMCHD1 (structural maintenance of chromosomes flexible hinge domain containing 1; plus strand). Cytogenetic location: 18p11.32.
Variant type: single nucleotide variant.
Coding change: c.1907A>T on transcript NM_015295.3 (MANE Select); coding-DNA position 1907, A replaced by T.
Protein change: p.Asp636Val; replaces aspartic acid 636 with valine.
Molecular consequence: missense variant.
Genome position (GRCh38, 1-based): chr18:2,705,758, A>T. VCF-style: chr18-2705758-A-T. GRCh37 (hg19) VCF-style: chr18-2705756-A-T.
Other names: short protein forms D636V.
Identifiers: ClinVar variation 1716424 (VCV001716424.5), dbSNP rs2074499943, ClinGen allele CA401679613.
Genomic context (GRCh38, chr18:2,705,758, plus strand): 5'-AGACAATCAAGACACTTCCCCTCTTTTATGGAAGCATAGTAAGATTTTTTCTTTATGGCG[A>T]TCATGATGGAGAAGTATATGCTACAGGAGGAGAGGTTCAAATTGCAATGGTAAGACAGCA-3'
Protein context (NP_056110.2, residues 626-646): GSIVRFFLYG[Asp636Val]HDGEVYATGG